The following is an entry in ClinVar:

ClinVar aggregate classification (germline): Uncertain significance (1 of 4 stars; one submission).

Conditions:
Hereditary pancreatitis (PCTT). Also called: Hereditary chronic pancreatitis; PRSS1-Related Hereditary Pancreatitis. Identifiers: Orphanet 676, MedGen C0238339, MONDO:0008185, OMIM 167800.

Allele frequency attached by ClinVar (database versions not stated): gnomAD exomes below 0.00001; TOPMed below 0.00001.

Submission:

Ambry Genetics
Classification: Uncertain significance for Hereditary pancreatitis. Last evaluated: 2025-11-29. Review status: criteria provided, single submitter. Criteria: Ambry Variant Classification Scheme 2023. Collection method: clinical testing. Allele origin: germline.
Comment: The p.F379L variant (also known as c.1135T>C), located in coding exon 10 of the CPA1 gene, results from a T to C substitution at nucleotide position 1135. The phenylalanine at codon 379 is replaced by leucine, an amino acid with highly similar properties. This amino acid position is conserved. In addition, the in silico prediction for this alteration is inconclusive. Since supporting evidence is limited at this time, the clinical significance of this alteration remains unclear.

NM_001868.4(CPA1):c.1135T>C (p.Phe379Leu)

Gene: CPA1 (carboxypeptidase A1; plus strand). Cytogenetic location: 7q32.2.
Variant type: single nucleotide variant.
Coding change: c.1135T>C on transcript NM_001868.4 (MANE Select); coding-DNA position 1135, T replaced by C.
Protein change: p.Phe379Leu; replaces phenylalanine 379 with leucine.
Molecular consequence: missense variant.
Genome position (GRCh38, 1-based): chr7:130,387,886, T>C. VCF-style: chr7-130387886-T-C. GRCh37 (hg19) VCF-style: chr7-130027727-T-C.
Other names: short protein forms F379L.
Identifiers: ClinVar variation 1729623 (VCV001729623.3), dbSNP rs199744828, ClinGen allele CA166893014.